The following is an entry in ClinVar:

ClinVar aggregate classification (germline): Uncertain significance. Review status: criteria provided, multiple submitters, no conflicts (2 of 4 stars). 2 submissions from 2 submitters: Uncertain significance (2). Last evaluated 2024-12-02.

Conditions:
Cataract 22 multiple types. Also called: CATARACT 22, NUCLEAR, AUTOSOMAL RECESSIVE; Cataract 22; CATARACT 22, MULTIPLE TYPES, AUTOSOMAL DOMINANT. Identifiers: Orphanet 91492, MedGen C1857853, MONDO:0012336, OMIM 609741.

Allele frequency attached by ClinVar (database versions not stated): TOPMed 0.00022; ESP Exome Variant Server 0.00038; 1000 Genomes Project 0.00040; 1000 Genomes Project 30x 0.00047.
gnomAD v4.1: 566 of 1,614,186 alleles (0.035%); highest among the groups gnomAD compares: South Asian, 0.089%; 2 homozygotes.

Submissions (2):

Labcorp Genetics (formerly Invitae), Labcorp
Classification: Uncertain significance for Cataract 22 multiple types. Last evaluated: 2024-12-02. Review status: criteria provided, single submitter. Criteria: Invitae Variant Classification Sherloc (09022015). Collection method: clinical testing. Allele origin: germline.
Comment: This sequence change replaces arginine, which is basic and polar, with histidine, which is basic and polar, at codon 75 of the CRYBB3 protein (p.Arg75His). This variant is present in population databases (rs183587921, gnomAD 0.09%), and has an allele count higher than expected for a pathogenic variant. This missense change has been observed in individual(s) with congenital cataract (PMID: 19182255). ClinVar contains an entry for this variant (Variation ID: 902429). An algorithm developed to predict the effect of missense changes on protein structure and function outputs the following: PolyPhen-2: "Possibly Damaging". The histidine amino acid residue is found in multiple mammalian species, which suggests that this missense change does not adversely affect protein function. In summary, the available evidence is currently insufficient to determine the role of this variant in disease. Therefore, it has been classified as a Variant of Uncertain Significance.

Illumina Laboratory Services, Illumina
Classification: Uncertain significance for Cataract 22 multiple types. Last evaluated: 2017-04-27. Review status: criteria provided, single submitter. Criteria: ICSL Variant Classification Criteria 13 December 2019. Collection method: clinical testing. Allele origin: germline.
Comment: This variant was observed as part of a predisposition screen in an ostensibly healthy population. A literature search was performed for the gene, cDNA change, and amino acid change (where applicable). Publications were found based on this search. However, the evidence from the literature, in combination with allele frequency data from public databases where available, was not sufficient to rule this variant in or out of causing disease. Therefore, this variant is classified as a variant of unknown significance.

Literature cited by the submitters: PubMed 19182255 (cited by Labcorp Genetics (formerly Invitae), Labcorp and Illumina Laboratory Services, Illumina).

NM_004076.5(CRYBB3):c.224G>A (p.Arg75His)

Gene: CRYBB3 (crystallin beta B3; plus strand). Cytogenetic location: 22q11.23.
Variant type: single nucleotide variant.
Coding change: c.224G>A on transcript NM_004076.5 (MANE Select); coding-DNA position 224, G replaced by A.
Protein change: p.Arg75His; replaces arginine 75 with histidine.
Molecular consequence: missense variant.
Genome position (GRCh38, 1-based): chr22:25,203,792, G>A. VCF-style: chr22-25203792-G-A. GRCh37 (hg19) VCF-style: chr22-25599759-G-A.
Other names: short protein forms R75H.
Identifiers: ClinVar variation 902429 (VCV000902429.7), dbSNP rs183587921, ClinGen allele CA10157715.